The following is an entry in ClinVar:

ClinVar aggregate classification (germline): Uncertain significance (1 of 4 stars; one submission).

Conditions:
Familial hypobetalipoproteinemia 1. Also called: APOB-Related Familial Hypobetalipoproteinemia; Hypobetalipoproteinemia, normotriglyceridemic; Acanthocytosis with hypobetalipoproteinemia. Identifiers: MedGen C4551990, MONDO:0014252, OMIM 615558.
Hypercholesterolemia, autosomal dominant, type B (FHCL2). Also called: Familial Hypercholesterolemia Type B; APOLIPOPROTEIN B-100, FAMILIAL DEFECTIVE; APOLIPOPROTEIN B-100, FAMILIAL LIGAND-DEFECTIVE; HYPERCHOLESTEROLEMIA, FAMILIAL, DUE TO LIGAND-DEFECTIVE APOLIPOPROTEIN B; Hyperlipoproteinemia Type IIb; Familial hypercholesterolemia 2. Identifiers: MedGen C1704417, MONDO:0007751, OMIM 144010.

Submission:

Labcorp Genetics (formerly Invitae), Labcorp
Classification: Uncertain significance for Familial hypobetalipoproteinemia 1; Hypercholesterolemia, autosomal dominant, type B. Last evaluated: 2024-12-11. Review status: criteria provided, single submitter. Criteria: Invitae Variant Classification Sherloc (09022015). Collection method: clinical testing. Allele origin: germline.
Comment: This sequence change replaces phenylalanine, which is neutral and non-polar, with leucine, which is neutral and non-polar, at codon 548 of the APOB protein (p.Phe548Leu). This variant is not present in population databases (gnomAD no frequency). This variant has not been reported in the literature in individuals affected with APOB-related conditions. Invitae Evidence Modeling of protein sequence and biophysical properties (such as structural, functional, and spatial information, amino acid conservation, physicochemical variation, residue mobility, and thermodynamic stability) indicates that this missense variant is not expected to disrupt APOB protein function with a negative predictive value of 95%. In summary, the available evidence is currently insufficient to determine the role of this variant in disease. Therefore, it has been classified as a Variant of Uncertain Significance.

NM_000384.3(APOB):c.1644C>G (p.Phe548Leu)

Gene: APOB (apolipoprotein B; minus strand). Cytogenetic location: 2p24.1.
Variant type: single nucleotide variant.
Coding change: c.1644C>G on transcript NM_000384.3 (MANE Select); coding-DNA position 1644, C replaced by G.
Protein change: p.Phe548Leu; replaces phenylalanine 548 with leucine.
Molecular consequence: missense variant.
Genome position (GRCh38, 1-based): chr2:21,028,512, G>C on the plus strand (C>G on the coding strand, the complement: APOB is on the minus strand). VCF-style: chr2-21028512-G-C. GRCh37 (hg19) VCF-style: chr2-21251384-G-C.
Other names: short protein forms F548L.
Identifiers: ClinVar variation 3748021 (VCV003748021.2).
Genomic context (GRCh38, chr2:21,028,512, plus strand): 5'-ACTCCTCATCAACATAAGATAGGCAGCCAGTCGCTTATCTCCCGGAGAAGCATCATCAAG[G>C]AAAGTCTGAAGAAGAACCTCCTGGTCCTGCAGTCAAAAGAGGAGATGGTTATCACTGTCC-3'
Protein context (NP_000375.3, residues 538-558): DKDQEVLLQT[Phe548Leu]LDDASPGDKR